The following is an entry in ClinVar:

NM_152564.5(VPS13B):c.1081G>A (p.Asp361Asn)

Gene: VPS13B (vacuolar protein sorting 13 homolog B; plus strand). Cytogenetic location: 8q22.2.
Variant type: single nucleotide variant.
Coding change: c.1081G>A on transcript NM_152564.5 (MANE Select); coding-DNA position 1081, G replaced by A.
Protein change: p.Asp361Asn; replaces aspartic acid 361 with asparagine.
Molecular consequence: missense variant. On other transcripts: non-coding transcript variant (1).
Genome position (GRCh38, 1-based): chr8:99,121,320, G>A. VCF-style: chr8-99121320-G-A. GRCh37 (hg19) VCF-style: chr8-100133548-G-A.
Other names: c.1081G>A, p.Asp361Asn (NM_015243.3, NM_017890.5, NM_181661.3); short protein forms D361N.
Identifiers: ClinVar variation 2957163 (VCV002957163.4), dbSNP rs749019850, ClinGen allele CA4822540.

ClinVar aggregate classification (germline): Uncertain significance. Review status: criteria provided, multiple submitters, no conflicts (2 of 4 stars). 2 submissions from 2 submitters: Uncertain significance (2). Last evaluated 2023-11-28.

Conditions:
Cohen syndrome (COH1). Also called: Cutis verticis gyrata, retinitis pigmentosa, and sensorineural deafness; PEPPER SYNDROME. Identifiers: Orphanet 193, MedGen C0265223, MONDO:0008999, OMIM 216550.

Allele frequency attached by ClinVar (database versions not stated): TOPMed below 0.00001; ExAC 0.00001; gnomAD 0.00001.
gnomAD v4.1: 2 of 1,614,018 alleles (0.00012%); highest among the groups gnomAD compares: East Asian, 0.0022%; no homozygotes.

Submissions (2):

Labcorp Genetics (formerly Invitae), Labcorp
Classification: Uncertain significance for Cohen syndrome. Last evaluated: 2023-11-28. Review status: criteria provided, single submitter. Criteria: Invitae Variant Classification Sherloc (09022015). Collection method: clinical testing. Allele origin: germline.
Comment: This sequence change replaces aspartic acid, which is acidic and polar, with asparagine, which is neutral and polar, at codon 361 of the VPS13B protein (p.Asp361Asn). This variant is present in population databases (rs749019850, gnomAD 0.01%). This variant has not been reported in the literature in individuals affected with VPS13B-related conditions. Advanced modeling of protein sequence and biophysical properties (such as structural, functional, and spatial information, amino acid conservation, physicochemical variation, residue mobility, and thermodynamic stability) performed at Invitae indicates that this missense variant is not expected to disrupt VPS13B protein function with a negative predictive value of 80%. In summary, the available evidence is currently insufficient to determine the role of this variant in disease. Therefore, it has been classified as a Variant of Uncertain Significance.

Department of Pathology and Laboratory Medicine, Sinai Health System
Classification: Uncertain significance for Cohen syndrome. Last evaluated: 2020-08-16. Review status: criteria provided, single submitter. Criteria: ACMG Guidelines, 2015. Collection method: research. Allele origin: germline.